The following is an entry in ClinVar:

ClinVar aggregate classification (germline): Pathogenic. Review status: criteria provided, multiple submitters, no conflicts (2 of 4 stars). 4 submissions from 4 submitters: Pathogenic (2). 2 of the submissions do not count toward it. Last evaluated 2025-08-15.

Conditions:
Isolated growth hormone deficiency, type 5. Also called: PITUITARY HORMONE DEFICIENCY, COMBINED OR ISOLATED, 7. Identifiers: MedGen C4748435, MONDO:0032569, OMIM 618160.
Decreased response to growth hormone stimulation test. Also called: Growth hormone deficiency. Identifiers: MedGen C5539399, HP:0000824.

gnomAD v4.1: 79 of 1,535,158 alleles (0.0051%); highest among the groups gnomAD compares: Non-Finnish European, 0.0061%; no homozygotes.

Submissions (4):

GeneDx
Classification: Pathogenic. Last evaluated: 2025-08-15. Review status: criteria provided, single submitter. Criteria: GeneDx Variant Classification Process June 2021. Collection method: clinical testing. Allele origin: germline. Affected: yes.
Comment: Nonsense variant predicted to result in protein truncation or nonsense mediated decay in a gene for which loss of function is a known mechanism of disease; Not observed at significant frequency in large population cohorts (gnomAD); This variant is associated with the following publications: (PMID: 32462814, Gucev2015[Poster], 34906446)

Juno Genomics, Hangzhou Juno Genomics, Inc
Classification: Pathogenic for Isolated growth hormone deficiency, type 5. Review status: criteria provided, single submitter. Criteria: ACMG Guidelines, 2015. Collection method: clinical testing. Allele origin: germline.
Comment: Absent from controls (or at extremely low frequency if recessive) in Genome Aggregation Database.;Null variant in a gene where loss of function (LOF) is a known mechanism of disease.;For recessive disorders, detected in trans with a pathogenic variant.

OMIM
Classification: Pathogenic for PITUITARY HORMONE DEFICIENCY, ISOLATED, 7. Last evaluated: 2021-11-05. Review status: no assertion criteria provided. Collection method: literature only. Allele origin: germline. Not counted in ClinVar's aggregate classification.

Department of Pediatric Endocrinology, Ondokuz Mayis University
Classification: Pathogenic for Growth hormone deficiency. Last evaluated: 2021-04-05. Review status: no assertion criteria provided. Collection method: clinical testing. Allele origin: germline. Affected: yes. Not counted in ClinVar's aggregate classification.

Literature cited by the submitters: Gucev, Z., Polenakovic, M., Tasic, V., LeBouc, Y., Amselem, S., Klammt, J., Pfaeffle, R., Filipovska, A. Severe isolated growth hormone deficiency and myopathy in two brothers with RNPC3 mutation. (Abstract) ESPE Abstracts 84: P-3-921, 2015. (cited by OMIM).

NM_017619.4(RNPC3):c.613C>T (p.Arg205Ter)

Gene: RNPC3 (RNA binding region (RNP1, RRM) containing 3; plus strand). Cytogenetic location: 1p21.1.
Variant type: single nucleotide variant.
Coding change: c.613C>T on transcript NM_017619.4 (MANE Select); coding-DNA position 613, C replaced by T.
Protein change: p.Arg205Ter; replaces arginine 205 with a stop codon.
Molecular consequence: nonsense.
Genome position (GRCh38, 1-based): chr1:103,536,183, C>T. VCF-style: chr1-103536183-C-T. GRCh37 (hg19) VCF-style: chr1-104078805-C-T.
Other names: short protein forms R205*.
Identifiers: ClinVar variation 1064669 (VCV001064669.6), dbSNP rs939646611, ClinGen allele CA28208057.